The following is an entry in ClinVar:

ClinVar aggregate classification (germline): Uncertain significance. Review status: criteria provided, multiple submitters, no conflicts (2 of 4 stars). 2 submissions from 2 submitters: Uncertain significance (2). Last evaluated 2025-01-06.

Conditions:
Congenital myotonia, autosomal dominant form (THD). Also called: THOMSEN DISEASE; Myotonia congenita autosomal dominant. Identifiers: Orphanet 614, MedGen C2936781, MONDO:0008055, OMIM 160800.
Congenital myotonia, autosomal recessive form. Also called: BECKER DISEASE; Becker Generalized Myotonia; myotonia congenita, autosomal recessive. Identifiers: Orphanet 614, MedGen C0751360, MONDO:0009715, OMIM 255700.
Inborn genetic diseases. Identifiers: MedGen C0950123, MeSH D030342.

Allele frequency attached by ClinVar (database versions not stated): gnomAD exomes 0.00002; TOPMed 0.00002; ExAC 0.00003; gnomAD 0.00003 and 0.00004; ESP Exome Variant Server 0.00008.
gnomAD v4.1: 27 of 1,614,108 alleles (0.0017%); highest among the groups gnomAD compares: Middle Eastern, 0.016%; no homozygotes.

Submissions (2):

Labcorp Genetics (formerly Invitae), Labcorp
Classification: Uncertain significance for Congenital myotonia, autosomal recessive form; Congenital myotonia, autosomal dominant form. Last evaluated: 2025-01-06. Review status: criteria provided, single submitter. Criteria: Invitae Variant Classification Sherloc (09022015). Collection method: clinical testing. Allele origin: germline.
Comment: This sequence change replaces alanine, which is neutral and non-polar, with valine, which is neutral and non-polar, at codon 151 of the CLCN1 protein (p.Ala151Val). This variant is present in population databases (rs145280046, gnomAD 0.01%). This variant has not been reported in the literature in individuals affected with CLCN1-related conditions. ClinVar contains an entry for this variant (Variation ID: 1017864). Invitae Evidence Modeling of protein sequence and biophysical properties (such as structural, functional, and spatial information, amino acid conservation, physicochemical variation, residue mobility, and thermodynamic stability) indicates that this missense variant is not expected to disrupt CLCN1 protein function with a negative predictive value of 95%. In summary, the available evidence is currently insufficient to determine the role of this variant in disease. Therefore, it has been classified as a Variant of Uncertain Significance.

Ambry Genetics
Classification: Uncertain significance for Inborn genetic diseases. Last evaluated: 2023-08-08. Review status: criteria provided, single submitter. Criteria: Ambry Variant Classification Scheme 2023. Collection method: clinical testing. Allele origin: germline.

NM_000083.3(CLCN1):c.452C>T (p.Ala151Val)

Gene: CLCN1 (chloride voltage-gated channel 1; plus strand). Cytogenetic location: 7q34.
Variant type: single nucleotide variant.
Coding change: c.452C>T on transcript NM_000083.3 (MANE Select); coding-DNA position 452, C replaced by T.
Protein change: p.Ala151Val; replaces alanine 151 with valine.
Molecular consequence: missense variant. On other transcripts: non-coding transcript variant (1).
Genome position (GRCh38, 1-based): chr7:143,321,383, C>T. VCF-style: chr7-143321383-C-T. GRCh37 (hg19) VCF-style: chr7-143018476-C-T.
Other names: c.452C>T (NM_000083.2); short protein forms A151V.
Identifiers: ClinVar variation 1017864 (VCV001017864.8), dbSNP rs145280046, ClinGen allele CA4536960.
Genomic context (GRCh38, chr7:143,321,383, plus strand): 5'-CTCAGCCATGTTCTGCCTAACCCCAGGCATGTGTCTCCGCAGCCTACAAGTGGTCCTACG[C>T]GCAGATGCAGCCCAGCCTTCCTCTGCAGTTCCTGGTCTGGGTCACCTTCCCACTAGTCCT-3'
Protein context (NP_000074.3, residues 141-161): KSLQAYKWSY[Ala151Val]QMQPSLPLQF